The following is an entry in ClinVar:

ClinVar aggregate classification (germline): Pathogenic (0 of 4 stars; one submission).

Conditions:
Pyruvate dehydrogenase E1-alpha deficiency (PDHAD). Also called: ATAXIA, INTERMITTENT, WITH PYRUVATE DEHYDROGENASE DEFICIENCY; ATAXIA WITH LACTIC ACIDOSIS I; ATAXIA, INTERMITTENT, WITH ABNORMAL PYRUVATE METABOLISM; Ataxia, intermittent, with pyruvate dehydrogenase, or decarboxylase, deficiency. Identifiers: Orphanet 79243, MedGen C1839413, MONDO:0010717, OMIM 312170.

Submission:

PDHA1 Study Group, University Children’s Hospital, Paracelsus Medical University
Classification: Pathogenic for Pyruvate dehydrogenase E1-alpha deficiency. Last evaluated: 2024-10-15. Review status: no assertion criteria provided. Collection method: research. Allele origin: de novo. Affected: yes. Observed: 1 variant allele.
Comment: The NM_000284.3:c.1106_1108del (p.Tyr369del) change is a deletion-insertion (delins) variant in PDHA1 gene. Among them, 1 case had confirmed de novo occurrence. The variant has been reported in 1 published case (PMIDs: 10679936). Last literature search: July 12, 2024. This variant is absent or extremely rare in population-based cohorts in the Genome Aggregation Database (gnomAD). Individuals harboring this variant presented with clinical features compatible with PDHA1-related PDHc deficiency. In summary, this variant meets criteria to be classified as likely pathogenic (LP) for PDHA1-related PDHc deficiency based on the ACMG/AMP criteria applied: PS2, PM1, PM2, PP3 (last assessment October 15, 2024).

Literature cited by the submitters: PubMed 10679936; DOI 10.1093/brain/awaf430.

NM_000284.4(PDHA1):c.1106_1108del (p.Tyr369del)

Gene: PDHA1 (pyruvate dehydrogenase E1 subunit alpha 1; plus strand). Cytogenetic location: Xp22.12.
Variant type: Deletion.
Coding change: c.1106_1108del on transcript NM_000284.4 (MANE Select); coding-DNA positions 1106 to 1108, 3 bases deleted (ACT; older notation c.1106_1108delACT).
Protein change: p.Tyr369del; deletes tyrosine 369.
Molecular consequence: inframe deletion.
Genome position (GRCh38, 1-based): chrX:19,359,586-19,359,588, ACT deleted; deleting any 3 consecutive bases within chrX:19,359,584-19,359,588 gives the same sequence; the c. name uses the placement nearest the transcript's 3' end. VCF-style (leftmost placement, unchanged base first): chrX-19359583-TCTA-T. GRCh37 (hg19) VCF-style: chrX-19377701-TCTA-T.
Other names: c.1220_1222del, p.Tyr407del (NM_001173454.2); c.1127_1129del, p.Tyr376del (NM_001173455.2); c.1013_1015del, p.Tyr338del (NM_001173456.2); short protein forms Y338del, Y369del, Y376del, Y407del.
Identifiers: ClinVar variation 4070457 (VCV004070457.1).